The following is an entry in ClinVar:

NC_000006.11:g.(51514019_51523749)_(51524768_51609182)del

Gene: PKHD1 (PKHD1 ciliary IPT domain containing fibrocystin/polyductin; minus strand). Cytogenetic location: 6p12.3.
Variant type: Deletion.
Identifiers: ClinVar variation 1683396 (VCV001683396.1).

ClinVar aggregate classification (germline): Likely pathogenic (1 of 4 stars; one submission).

Conditions:
Autosomal recessive polycystic kidney disease (ARPKD). Also called: AR polycystic kidney disease. Identifiers: Orphanet 731, Orphanet 8378, MedGen C0085548, MeSH D017044, MONDO:0009889.

Submission:

Women's Health and Genetics/Laboratory Corporation of America, LabCorp
Classification: Likely pathogenic for Autosomal recessive polycystic kidney disease. Last evaluated: 2022-04-19. Review status: criteria provided, single submitter. Criteria: LabCorp Variant Classification Summary - May 2015. Collection method: clinical testing. Allele origin: germline.
Comment: Variant summary: The variant identified by MLPA or other technology involves the deletion of exon 61 in the PKHD1 gene. A presumed nomenclature of c.(10156+1_10157-1)_(11174+1_11175-1)del has been designated for the purposes of this classification. Although exact breakpoints of this deletion are not known, it is expected to result in a frameshift in the PKHD1 gene, a known mechanism of disease. The variant was absent in 21694 control chromosomes (gnomAD, Structural Variants dataset). To our knowledge, no occurrence of c.(10156+1_10157-1)_(11174+1_11175-1)del in individuals affected with Polycystic Kidney And Hepatic Disease and no experimental evidence demonstrating its impact on protein function have been reported. No clinical diagnostic laboratories have submitted clinical-significance assessments for this variant to ClinVar after 2014. Based on the evidence outlined above, the variant was classified as likely pathogenic.